The following is an entry in ClinVar:

ClinVar aggregate classification (germline): Benign/Likely benign. Review status: criteria provided, multiple submitters, no conflicts (2 of 4 stars). 3 submissions from 3 submitters: Benign (1); Likely benign (2). Last evaluated 2026-04-27.

Conditions:
Colorectal cancer, susceptibility to, 1. Also called: COLORECTAL ADENOMA AND CANCER, SUSCEPTIBILITY TO; COLORECTAL CANCER, SUSCEPTIBILITY TO, ON CHROMOSOME 9. Identifiers: MedGen C1837315, MONDO:0012132, OMIM 608812.

Submissions (3):

Myriad Genetics, Inc.
Classification: Benign for Colorectal cancer, susceptibility to, 1. Last evaluated: 2026-04-27. Review status: criteria provided, single submitter. Criteria: Myriad Autosomal Dominant, Autosomal Recessive and X-Linked Classification Criteria (2023). Collection method: clinical testing. Allele origin: unknown.
Comment: This variant is considered benign. This variant is a silent/synonymous amino acid change and it is not expected to impact splicing.

Ambry Genetics
Classification: Likely benign. Last evaluated: 2021-03-02. Review status: criteria provided, single submitter. Criteria: Ambry Variant Classification Scheme 2023. Collection method: clinical testing. Allele origin: germline.

Labcorp Genetics (formerly Invitae), Labcorp
Classification: Likely benign. Last evaluated: 2019-07-17. Review status: criteria provided, single submitter. Criteria: Invitae Variant Classification Sherloc (09022015). Collection method: clinical testing. Allele origin: germline.

NM_024642.5(GALNT12):c.1443G>C (p.Gly481=)

Gene: GALNT12 (polypeptide N-acetylgalactosaminyltransferase 12; plus strand). Cytogenetic location: 9q22.33.
Variant type: single nucleotide variant.
Coding change: c.1443G>C on transcript NM_024642.5 (MANE Select); coding-DNA position 1443, G replaced by C.
Protein change: p.Gly481=; no amino-acid change (glycine 481 retained).
Molecular consequence: synonymous variant.
Genome position (GRCh38, 1-based): chr9:98,844,194, G>C. VCF-style: chr9-98844194-G-C. GRCh37 (hg19) VCF-style: chr9-101606476-G-C.
Identifiers: ClinVar variation 1160886 (VCV001160886.12), dbSNP rs925008420, ClinGen allele CA196831732.